The following is an entry in ClinVar:

NM_001371928.1(AHDC1):c.3656G>A (p.Trp1219Ter)

Gene: AHDC1 (AT-hook DNA binding motif containing 1; minus strand). Cytogenetic location: 1p36.11.
Variant type: single nucleotide variant.
Coding change: c.3656G>A on transcript NM_001371928.1 (MANE Select); coding-DNA position 3656, G replaced by A.
Protein change: p.Trp1219Ter; replaces tryptophan 1219 with a stop codon.
Molecular consequence: nonsense.
Genome position (GRCh38, 1-based): chr1:27,548,460, C>T on the plus strand (G>A on the coding strand, the complement: AHDC1 is on the minus strand). VCF-style: chr1-27548460-C-T. GRCh37 (hg19) VCF-style: chr1-27874971-C-T.
Other names: c.3656G>A, p.Trp1219Ter (NM_001029882.3); short protein forms W1219*.
Identifiers: ClinVar variation 1675324 (VCV001675324.1), dbSNP rs2148266336, ClinGen allele CA339225593.

ClinVar aggregate classification (germline): Pathogenic (1 of 4 stars; one submission).

Conditions:
AHDC1-related intellectual disability - obstructive sleep apnea - mild dysmorphism syndrome. Also called: Xia-Gibbs syndrome. Identifiers: Orphanet 412069, MedGen C4014419, MONDO:0014358, OMIM 615829.

Submission:

Institute of Human Genetics, Clinical Exome/Genome Diagnostics Group, University Hospital Bonn
Classification: Pathogenic for AHDC1-related intellectual disability - obstructive sleep apnea - mild dysmorphism syndrome. Last evaluated: 2022-03-28. Review status: criteria provided, single submitter. Criteria: ACMG Guidelines, 2015. Collection method: clinical testing. Allele origin: germline. Affected: yes.
Comment: PVS1, PS2, PM2